The following is an entry in ClinVar:

NM_020738.4(KIDINS220):c.2932C>A (p.Arg978=)

Gene: KIDINS220 (kinase D interacting substrate 220; minus strand). Cytogenetic location: 2p25.1.
Variant type: single nucleotide variant.
Coding change: c.2932C>A on transcript NM_020738.4 (MANE Select); coding-DNA position 2932, C replaced by A.
Protein change: p.Arg978=; no amino-acid change (arginine 978 retained).
Molecular consequence: synonymous variant. On other transcripts: non-coding transcript variant (2).
Genome position (GRCh38, 1-based): chr2:8,770,749, G>T on the plus strand (C>A on the coding strand, the complement: KIDINS220 is on the minus strand). VCF-style: chr2-8770749-G-T. GRCh37 (hg19) VCF-style: chr2-8910879-G-T.
Other names: c.2935C>A, p.Arg979= (NM_001348729.2, NM_001348731.2, NM_001348734.2 and 3 more transcripts); c.2932C>A, p.Arg978= (NM_001348732.2, NM_001348735.2, NM_001348738.2 and 3 more transcripts); c.2806C>A, p.Arg936= (NM_001348736.2); c.2932C>A (NM_020738.2).
Identifiers: ClinVar variation 1656904 (VCV001656904.10), dbSNP rs759694870, ClinGen allele CA1519841.

ClinVar aggregate classification (germline): Likely benign. Review status: criteria provided, single submitter (1 of 4 stars). 2 submissions from 2 submitters: Likely benign (1). 1 of the submissions does not count toward it. Last evaluated 2025-07-17.

Conditions:
KIDINS220-related disorder. Also called: KIDINS220-related condition.

Allele frequency attached by ClinVar (database versions not stated): gnomAD 0.00003.
gnomAD v4.1: 27 of 1,610,636 alleles (0.0017%); highest among the groups gnomAD compares: African/African-American, 0.0067%; no homozygotes.

Submissions (2):

Labcorp Genetics (formerly Invitae), Labcorp
Classification: Likely benign. Last evaluated: 2025-07-17. Review status: criteria provided, single submitter. Criteria: Invitae Variant Classification Sherloc (09022015). Collection method: clinical testing. Allele origin: germline.

PreventionGenetics, part of Exact Sciences
Classification: Likely benign for KIDINS220-related condition. Last evaluated: 2022-12-22. Review status: no assertion criteria provided. Collection method: clinical testing. Allele origin: germline. Not counted in ClinVar's aggregate classification.
Comment: This variant is classified as likely benign based on ACMG/AMP sequence variant interpretation guidelines (Richards et al. 2015 PMID: 25741868, with internal and published modifications).